The following is an entry in ClinVar:

NM_000098.3(CPT2):c.1508G>A (p.Arg503His)

Gene: CPT2 (carnitine palmitoyltransferase 2; plus strand). Cytogenetic location: 1p32.3.
Variant type: single nucleotide variant.
Coding change: c.1508G>A on transcript NM_000098.3 (MANE Select); coding-DNA position 1508, G replaced by A.
Protein change: p.Arg503His; replaces arginine 503 with histidine.
Molecular consequence: missense variant.
Genome position (GRCh38, 1-based): chr1:53,211,182, G>A. VCF-style: chr1-53211182-G-A. GRCh37 (hg19) VCF-style: chr1-53676854-G-A.
Other names: c.1508G>A, p.Arg503His (NM_001330589.2); short protein forms R503H.
Identifiers: ClinVar variation 297608 (VCV000297608.7), dbSNP rs750079911, ClinGen allele CA859224.

ClinVar aggregate classification (germline): Uncertain significance. Review status: criteria provided, multiple submitters, no conflicts (2 of 4 stars). 2 submissions from 2 submitters: Uncertain significance (2). Last evaluated 2024-01-22.

Conditions:
Carnitine palmitoyltransferase II deficiency. Also called: Carnitine Palmitoyltransferase 2 Deficiency. Identifiers: Orphanet 157, MedGen C0342790, MONDO:0015515.

Allele frequency attached by ClinVar (database versions not stated): gnomAD exomes below 0.00001 and 0.00001; gnomAD 0.00001; TOPMed 0.00001; ExAC 0.00003.
gnomAD v4.1: 7 of 1,608,480 alleles (0.00044%); highest among the groups gnomAD compares: East Asian, 0.0045%; no homozygotes.

Submissions (2):

Labcorp Genetics (formerly Invitae), Labcorp
Classification: Uncertain significance for Carnitine palmitoyltransferase II deficiency. Last evaluated: 2024-01-22. Review status: criteria provided, single submitter. Criteria: Invitae Variant Classification Sherloc (09022015). Collection method: clinical testing. Allele origin: germline.
Comment: This sequence change replaces arginine, which is basic and polar, with histidine, which is basic and polar, at codon 503 of the CPT2 protein (p.Arg503His). This variant is present in population databases (rs750079911, gnomAD 0.003%). This variant has not been reported in the literature in individuals affected with CPT2-related conditions. ClinVar contains an entry for this variant (Variation ID: 297608). Advanced modeling of protein sequence and biophysical properties (such as structural, functional, and spatial information, amino acid conservation, physicochemical variation, residue mobility, and thermodynamic stability) performed at Invitae indicates that this missense variant is not expected to disrupt CPT2 protein function with a negative predictive value of 80%. This variant disrupts the p.Arg503 amino acid residue in CPT2. Other variant(s) that disrupt this residue have been determined to be pathogenic (PMID: 10090476, 10873395, 17372854, 19762733, 21913903). This suggests that this residue is clinically significant, and that variants that disrupt this residue are likely to be disease-causing. In summary, the available evidence is currently insufficient to determine the role of this variant in disease. Therefore, it has been classified as a Variant of Uncertain Significance.

Illumina Laboratory Services, Illumina
Classification: Uncertain significance for Carnitine palmitoyltransferase II deficiency. Last evaluated: 2018-01-12. Review status: criteria provided, single submitter. Criteria: ICSL Variant Classification Criteria 13 December 2019. Collection method: clinical testing. Allele origin: germline.

Literature cited by the submitters: PubMed 10090476 (cited by Labcorp Genetics (formerly Invitae), Labcorp); PubMed 10873395 (cited by Labcorp Genetics (formerly Invitae), Labcorp); PubMed 17372854 (cited by Labcorp Genetics (formerly Invitae), Labcorp); PubMed 19762733 (cited by Labcorp Genetics (formerly Invitae), Labcorp); PubMed 21913903 (cited by Labcorp Genetics (formerly Invitae), Labcorp).